The following is an entry in ClinVar:

ClinVar aggregate classification (germline): Uncertain significance. Review status: criteria provided, multiple submitters, no conflicts (2 of 4 stars). 2 submissions from 2 submitters: Uncertain significance (2). Last evaluated 2026-07-07.

Conditions:
Hereditary cancer-predisposing syndrome. Also called: Tumor predisposition; Hereditary Cancer Syndrome; Hereditary neoplastic syndrome; Neoplastic Syndromes, Hereditary. Identifiers: Orphanet 140162, MedGen C0027672, MeSH D009386, MONDO:0015356.
Familial adenomatous polyposis 1 (FAP1). Also called: FAMILIAL ADENOMATOUS POLYPOSIS 1, ATTENUATED; POLYPOSIS, ADENOMATOUS INTESTINAL. Identifiers: MedGen C2713442, MONDO:0021056, OMIM 175100. Disease mechanism: loss of function.

gnomAD v4.1: 1 of 1,613,938 alleles (0.000062%); highest among the groups gnomAD compares: Non-Finnish European, 0.000085%; no homozygotes.

Submissions (2):

Ambry Genetics
Classification: Uncertain significance for Hereditary cancer-predisposing syndrome. Last evaluated: 2026-07-07. Review status: criteria provided, single submitter. Criteria: Ambry Variant Classification Scheme 2023. Collection method: clinical testing. Allele origin: germline.
Comment: The p.P1140L variant (also known as c.3419C>T), located in coding exon 15 of the APC gene, results from a C to T substitution at nucleotide position 3419. The proline at codon 1140 is replaced by leucine, an amino acid with similar properties. This amino acid position is conserved. In addition, in silico predictors for this gene do not accurately predict pathogenicity. Based on the available evidence, the clinical significance of this variant remains unclear.

Labcorp Genetics (formerly Invitae), Labcorp
Classification: Uncertain significance for Familial adenomatous polyposis 1. Last evaluated: 2022-05-02. Review status: criteria provided, single submitter. Criteria: Invitae Variant Classification Sherloc (09022015). Collection method: clinical testing. Allele origin: germline.
Comment: In summary, the available evidence is currently insufficient to determine the role of this variant in disease. Therefore, it has been classified as a Variant of Uncertain Significance. This sequence change replaces proline, which is neutral and non-polar, with leucine, which is neutral and non-polar, at codon 1140 of the APC protein (p.Pro1140Leu). This variant is not present in population databases (gnomAD no frequency). This variant has not been reported in the literature in individuals affected with APC-related conditions. Algorithms developed to predict the effect of missense changes on protein structure and function are either unavailable or do not agree on the potential impact of this missense change (SIFT: "Deleterious"; PolyPhen-2: "Probably Damaging"; Align-GVGD: "Class C0").

NM_000038.6(APC):c.3419C>T (p.Pro1140Leu)

Gene: APC (APC regulator of Wnt signaling pathway; plus strand). Cytogenetic location: 5q22.2.
Variant type: single nucleotide variant.
Coding change: c.3419C>T on transcript NM_000038.6 (MANE Select); coding-DNA position 3419, C replaced by T.
Protein change: p.Pro1140Leu; replaces proline 1140 with leucine.
Molecular consequence: missense variant.
Genome position (GRCh38, 1-based): chr5:112,839,013, C>T. VCF-style: chr5-112839013-C-T. GRCh37 (hg19) VCF-style: chr5-112174710-C-T.
Other names: c.3449C>T, p.Pro1150Leu (NM_001354897.2); c.3344C>T, p.Pro1115Leu (NM_001354898.2); c.3335C>T, p.Pro1112Leu (NM_001354899.2); c.3296C>T, p.Pro1099Leu (NM_001354900.2); c.3242C>T, p.Pro1081Leu (NM_001354901.2, NM_001407453.1); c.3146C>T, p.Pro1049Leu (NM_001354902.2); c.3116C>T, p.Pro1039Leu (NM_001354903.2, NM_001407458.1, NM_001407459.1 and 1 more transcripts); c.3041C>T, p.Pro1014Leu (NM_001354904.2); and 12 more; short protein forms P1081L, P1115L, P1122L, P1150L, P980L, P1057L, P1099L, P1130L.
Identifiers: ClinVar variation 2158192 (VCV002158192.5), dbSNP rs1060503351, ClinGen allele CA16028830.
Genomic context (GRCh38, chr5:112,839,013, plus strand): 5'-GAATTAATCAAAATGTAAGCCAGTCTTTGTGTCAAGAAGATGACTATGAAGATGATAAGC[C>T]TACCAATTATAGTGAACGTTACTCTGAAGAAGAACAGCATGAAGAAGAAGAGAGACCAAC-3'
Protein context (NP_000029.2, residues 1130-1150): CQEDDYEDDK[Pro1140Leu]TNYSERYSEE